The following is an entry in ClinVar:

NM_015100.4(POGZ):c.2681C>T (p.Pro894Leu)

Gene: POGZ (pogo transposable element derived with ZNF domain; minus strand). Cytogenetic location: 1q21.3.
Variant type: single nucleotide variant.
Coding change: c.2681C>T on transcript NM_015100.4 (MANE Select); coding-DNA position 2681, C replaced by T.
Protein change: p.Pro894Leu; replaces proline 894 with leucine.
Molecular consequence: missense variant.
Genome position (GRCh38, 1-based): chr1:151,406,354, G>A on the plus strand (C>T on the coding strand, the complement: POGZ is on the minus strand). VCF-style: chr1-151406354-G-A. GRCh37 (hg19) VCF-style: chr1-151378830-G-A.
Other names: c.2654C>T, p.Pro885Leu (NM_001194937.2); c.2495C>T, p.Pro832Leu (NM_001194938.2); c.2702C>T, p.Pro901Leu (NM_001410860.1); c.2396C>T, p.Pro799Leu (NM_145796.4); c.2522C>T, p.Pro841Leu (NM_207171.2); short protein forms P799L, P832L, P841L, P885L, P894L, P901L.
Identifiers: ClinVar variation 3376029 (VCV003376029.1).
Genomic context (GRCh38, chr1:151,406,354, plus strand): 5'-GTTGAGGCTGGTGATGGGAGTGCTGGGGCTAAGGGAGTTAGTAGCTCTTCAGGCTCAGCT[G>A]GGGTGGCCCCCGCAGATTTCACAGTGGCAGCTTTGTTAGTGGGGAAGGAAGGAGGAGGGT-3'
Protein context (NP_055915.2, residues 884-904): AATVKSAGAT[Pro894Leu]AEPEELLTPL

ClinVar aggregate classification (germline): Uncertain significance (1 of 4 stars; one submission).

Submission:

GeneDx
Classification: Uncertain significance. Last evaluated: 2024-05-02. Review status: criteria provided, single submitter. Criteria: GeneDx Variant Classification Process June 2021. Collection method: clinical testing. Allele origin: germline. Affected: yes.
Comment: Has not been previously published as pathogenic or benign to our knowledge; Not observed at significant frequency in large population cohorts (gnomAD); In silico analysis indicates that this missense variant does not alter protein structure/function